The following is an entry in ClinVar:

ClinVar aggregate classification (germline): Likely benign (1 of 4 stars; one submission).

gnomAD v4.1: 1,239 of 1,614,054 alleles (0.077%); highest among the groups gnomAD compares: Non-Finnish European, 0.088%; 2 homozygotes.

Submission:

CeGaT Center for Human Genetics Tuebingen
Classification: Likely benign. Last evaluated: 2025-10-01. Review status: criteria provided, single submitter. Criteria: CeGaT Center For Human Genetics Tuebingen Variant Classification Criteria Version 2. Collection method: clinical testing. Allele origin: germline. Affected: yes. Observed: 1 variant allele.
Comment: ADAMTSL1: BP4

NM_001040272.6(ADAMTSL1):c.1179G>C (p.Gly393=)

Gene: ADAMTSL1 (ADAMTS like 1; plus strand). Cytogenetic location: 9p22.1.
Variant type: single nucleotide variant.
Coding change: c.1179G>C on transcript NM_001040272.6 (MANE Select); coding-DNA position 1179, G replaced by C.
Protein change: p.Gly393=; no amino-acid change (glycine 393 retained).
Molecular consequence: synonymous variant.
Genome position (GRCh38, 1-based): chr9:18,680,354, G>C. VCF-style: chr9-18680354-G-C. GRCh37 (hg19) VCF-style: chr9-18680352-G-C.
Other names: c.1179G>C, p.Gly393= (NM_052866.5).
Identifiers: ClinVar variation 4533803 (VCV004533803.6).